The following is an entry in ClinVar:

NM_001378615.1(CC2D2A):c.2542A>C (p.Met848Leu)

Genes: CC2D2A (coiled-coil and C2 domain containing 2A; plus strand), FBXL5 (F-box and leucine rich repeat protein 5; minus strand). Cytogenetic location: 4p15.32.
Variant type: single nucleotide variant.
Coding change: c.2542A>C on transcript NM_001378615.1 (MANE Select); coding-DNA position 2542, A replaced by C.
Protein change: p.Met848Leu; replaces methionine 848 with leucine.
Molecular consequence: missense variant.
Genome position (GRCh38, 1-based): chr4:15,555,127, A>C. VCF-style: chr4-15555127-A-C. GRCh37 (hg19) VCF-style: chr4-15556750-A-C.
Other names: c.2542A>C, p.Met848Leu (NM_001080522.2); c.2395A>C, p.Met799Leu (NM_001378617.1); short protein forms M848L, M799L.
Identifiers: ClinVar variation 195572 (VCV000195572.11), dbSNP rs376403848, ClinGen allele CA242048.

ClinVar aggregate classification (germline): Uncertain significance. Review status: criteria provided, multiple submitters, no conflicts (2 of 4 stars). 3 submissions from 3 submitters: Uncertain significance (3). Last evaluated 2025-04-03.

Conditions:
Meckel-Gruber syndrome. Also called: DYSENCEPHALIA SPLANCHNOCYSTICA; GRUBER SYNDROME; Dysencephalia splachnocystica. Identifiers: Orphanet 564, MedGen C0265215, MONDO:0018921.
Joubert syndrome. Also called: Familial aplasia of the vermis; JOUBERT-BOLTSHAUSER SYNDROME. Identifiers: Orphanet 475, MedGen C5979921, MONDO:0018772.
Inborn genetic diseases. Identifiers: MedGen C0950123, MeSH D030342.

Allele frequency attached by ClinVar (database versions not stated): gnomAD 0.00005 and 0.00006; TOPMed 0.00006; ESP Exome Variant Server 0.00008.
gnomAD v4.1: 23 of 1,613,760 alleles (0.0014%); highest among the groups gnomAD compares: African/African-American, 0.028%; no homozygotes.

Submissions (3):

Ambry Genetics
Classification: Uncertain significance for Inborn genetic diseases. Last evaluated: 2025-04-03. Review status: criteria provided, single submitter. Criteria: Ambry Variant Classification Scheme 2023. Collection method: clinical testing. Allele origin: germline.

Labcorp Genetics (formerly Invitae), Labcorp
Classification: Uncertain significance for Joubert syndrome; Meckel-Gruber syndrome. Last evaluated: 2022-11-01. Review status: criteria provided, single submitter. Criteria: Invitae Variant Classification Sherloc (09022015). Collection method: clinical testing. Allele origin: germline.
Comment: This sequence change replaces methionine, which is neutral and non-polar, with leucine, which is neutral and non-polar, at codon 848 of the CC2D2A protein (p.Met848Leu). This variant is present in population databases (rs376403848, gnomAD 0.01%). This variant has not been reported in the literature in individuals affected with CC2D2A-related conditions. ClinVar contains an entry for this variant (Variation ID: 195572). Advanced modeling of protein sequence and biophysical properties (such as structural, functional, and spatial information, amino acid conservation, physicochemical variation, residue mobility, and thermodynamic stability) performed at Invitae indicates that this missense variant is not expected to disrupt CC2D2A protein function. In summary, the available evidence is currently insufficient to determine the role of this variant in disease. Therefore, it has been classified as a Variant of Uncertain Significance.

Eurofins Ntd Llc (ga)
Classification: Uncertain significance. Last evaluated: 2015-06-01. Review status: criteria provided, single submitter. Criteria: EGL Classification Definitions 2015. Collection method: clinical testing. Allele origin: germline. Observed: 1 variant allele, 1 heterozygote.